The following is an entry in ClinVar:

ClinVar aggregate classification (germline): Uncertain significance (1 of 4 stars; one submission).

Submission:

Labcorp Genetics (formerly Invitae), Labcorp
Classification: Uncertain significance. Last evaluated: 2021-09-15. Review status: criteria provided, single submitter. Criteria: Invitae Variant Classification Sherloc (09022015). Collection method: clinical testing. Allele origin: germline.
Comment: In summary, the available evidence is currently insufficient to determine the role of this variant in disease. Therefore, it has been classified as a Variant of Uncertain Significance. Algorithms developed to predict the effect of missense changes on protein structure and function are either unavailable or do not agree on the potential impact of this missense change (SIFT: "Deleterious"; PolyPhen-2: "Probably Damaging"; Align-GVGD: "Class C0"). This variant has not been reported in the literature in individuals affected with LAMA3-related conditions. This variant is not present in population databases (ExAC no frequency). This sequence change replaces cysteine with tyrosine at codon 1286 of the LAMA3 protein (p.Cys1286Tyr). The cysteine residue is highly conserved and there is a large physicochemical difference between cysteine and tyrosine.

NM_198129.4(LAMA3):c.8684G>A (p.Cys2895Tyr)

Gene: LAMA3 (laminin subunit alpha 3; plus strand). Cytogenetic location: 18q11.2.
Variant type: single nucleotide variant.
Coding change: c.8684G>A on transcript NM_198129.4 (MANE Select); coding-DNA position 8684, G replaced by A.
Protein change: p.Cys2895Tyr; replaces cysteine 2895 with tyrosine.
Molecular consequence: missense variant.
Genome position (GRCh38, 1-based): chr18:23,932,267, G>A. VCF-style: chr18-23932267-G-A. GRCh37 (hg19) VCF-style: chr18-21512231-G-A.
Other names: c.3857G>A, p.Cys1286Tyr (NM_000227.6); c.8516G>A, p.Cys2839Tyr (NM_001127717.4); c.3689G>A, p.Cys1230Tyr (NM_001127718.4); short protein forms C1230Y, C1286Y, C2839Y, C2895Y.
Identifiers: ClinVar variation 1381460 (VCV001381460.6), dbSNP rs2145407361, ClinGen allele CA402066405.